The following is an entry in ClinVar:

ClinVar aggregate classification (germline): Uncertain significance. Review status: criteria provided, multiple submitters, no conflicts (2 of 4 stars). 2 submissions from 2 submitters: Uncertain significance (2). Last evaluated 2025-11-26.

Conditions:
Bethlem myopathy 1A. Also called: MYOPATHY, BENIGN CONGENITAL, WITH CONTRACTURES; Bethlem myopathy 1; Bethlem Muscular Dystrophy. Identifiers: Orphanet 610, MedGen CN029274, MONDO:0024530, OMIM 158810.

Allele frequency attached by ClinVar (database versions not stated): TOPMed 0.00001.
gnomAD v4.1: 4 of 1,614,028 alleles (0.00025%); highest among the groups gnomAD compares: Non-Finnish European, 0.00034%; no homozygotes.

Submissions (2):

Labcorp Genetics (formerly Invitae), Labcorp
Classification: Uncertain significance for Bethlem myopathy 1A. Last evaluated: 2025-11-26. Review status: criteria provided, single submitter. Criteria: Invitae Variant Classification Sherloc (09022015). Collection method: clinical testing. Allele origin: germline.
Comment: This sequence change replaces aspartic acid, which is acidic and polar, with glutamic acid, which is acidic and polar, at codon 2617 of the COL6A3 protein (p.Asp2617Glu). This variant is not present in population databases (gnomAD no frequency). This variant has not been reported in the literature in individuals affected with COL6A3-related conditions. ClinVar contains an entry for this variant (Variation ID: 2440453). Invitae Evidence Modeling of protein sequence and biophysical properties (such as structural, functional, and spatial information, amino acid conservation, physicochemical variation, residue mobility, and thermodynamic stability) indicates that this missense variant is expected to disrupt COL6A3 protein function with a positive predictive value of 80%. In summary, the available evidence is currently insufficient to determine the role of this variant in disease. Therefore, it has been classified as a Variant of Uncertain Significance.

Revvity Omics, Revvity
Classification: Uncertain significance. Last evaluated: 2022-01-06. Review status: criteria provided, single submitter. Criteria: ACMG Guidelines, 2015. Collection method: clinical testing. Allele origin: germline.

NM_004369.4(COL6A3):c.7851C>G (p.Asp2617Glu)

Gene: COL6A3 (collagen type VI alpha 3 chain; minus strand). Cytogenetic location: 2q37.3.
Variant type: single nucleotide variant.
Coding change: c.7851C>G on transcript NM_004369.4 (MANE Select); coding-DNA position 7851, C replaced by G.
Protein change: p.Asp2617Glu; replaces aspartic acid 2617 with glutamic acid.
Molecular consequence: missense variant.
Genome position (GRCh38, 1-based): chr2:237,341,065, G>C on the plus strand (C>G on the coding strand, the complement: COL6A3 is on the minus strand). VCF-style: chr2-237341065-G-C. GRCh37 (hg19) VCF-style: chr2-238249708-G-C.
Other names: c.6030C>G, p.Asp2010Glu (NM_057166.5); c.7233C>G, p.Asp2411Glu (NM_057167.4); short protein forms D2010E, D2411E, D2617E.
Identifiers: ClinVar variation 2440453 (VCV002440453.6), dbSNP rs1235022762, ClinGen allele CA351197665.